The following is an entry in ClinVar:

ClinVar aggregate classification (germline): Uncertain significance. Review status: criteria provided, multiple submitters, no conflicts (2 of 4 stars). 2 submissions from 2 submitters: Uncertain significance (2). Last evaluated 2026-07-06.

Conditions:
AFF4-related disorder. Also called: AFF4-related condition.
Cognitive impairment - coarse facies - heart defects - obesity - pulmonary involvement - short stature - skeletal dysplasia syndrome. Also called: COGNITIVE IMPAIRMENT, COARSE FACIES, HEART DEFECTS, OBESITY, PULMONARY INVOLVEMENT, SHORT STATURE, AND SKELETAL DYSPLASIA; Chops syndrome; AFF4-Related CHOPS Syndrome. Identifiers: Orphanet 444077, MedGen C4085597, MONDO:0014609, OMIM 616368.

gnomAD v4.1: 4 of 1,614,138 alleles (0.00025%); highest among the groups gnomAD compares: Admixed American, 0.005%; no homozygotes.

Submissions (2):

PreventionGenetics, part of Exact Sciences
Classification: Uncertain significance for AFF4-related condition. Last evaluated: 2026-07-06. Review status: criteria provided, single submitter. Criteria: ACMG Guidelines, 2015. Collection method: clinical testing. Allele origin: germline.
Comment: The AFF4 c.2573G>A variant is predicted to result in the amino acid substitution p.Ser858Asn. To our knowledge, this variant has not been reported in the literature or in a large population database (gnomAD), indicating this variant is rare. At this time, the clinical significance of this variant is uncertain due to the absence of conclusive functional and genetic evidence.

Labcorp Genetics (formerly Invitae), Labcorp
Classification: Uncertain significance for Cognitive impairment - coarse facies - heart defects - obesity - pulmonary involvement - short stature - skeletal dysplasia syndrome. Last evaluated: 2025-06-05. Review status: criteria provided, single submitter. Criteria: Invitae Variant Classification Sherloc (09022015). Collection method: clinical testing. Allele origin: germline.
Comment: This sequence change replaces serine, which is neutral and polar, with asparagine, which is neutral and polar, at codon 858 of the AFF4 protein (p.Ser858Asn). This variant is not present in population databases (gnomAD no frequency). This variant has not been reported in the literature in individuals affected with AFF4-related conditions. ClinVar contains an entry for this variant (Variation ID: 3674854). Invitae Evidence Modeling of protein sequence and biophysical properties (such as structural, functional, and spatial information, amino acid conservation, physicochemical variation, residue mobility, and thermodynamic stability) indicates that this missense variant is not expected to disrupt AFF4 protein function with a negative predictive value of 80%. In summary, the available evidence is currently insufficient to determine the role of this variant in disease. Therefore, it has been classified as a Variant of Uncertain Significance.

NM_014423.4(AFF4):c.2573G>A (p.Ser858Asn)

Gene: AFF4 (ALF transcription elongation factor 4; minus strand). Cytogenetic location: 5q31.1.
Variant type: single nucleotide variant.
Coding change: c.2573G>A on transcript NM_014423.4 (MANE Select); coding-DNA position 2573, G replaced by A.
Protein change: p.Ser858Asn; replaces serine 858 with asparagine.
Molecular consequence: missense variant.
Genome position (GRCh38, 1-based): chr5:132,892,228, C>T on the plus strand (G>A on the coding strand, the complement: AFF4 is on the minus strand). VCF-style: chr5-132892228-C-T. GRCh37 (hg19) VCF-style: chr5-132227920-C-T.
Other names: c.2573G>A (NM_014423.3); short protein forms S858N.
Identifiers: ClinVar variation 3674854 (VCV003674854.3).
Genomic context (GRCh38, chr5:132,892,228, plus strand): 5'-ACCTCCTTGGAGCTACTGGAAGTCTTCCCTTCGGTCTTCTTCTGCTTTGATGTGGAGGAA[C>T]TGTTTTTGCTGCTGCCACTCGTCTCCTTGTTGCTGTTACTGCTTGACTTTAAGGAAGAAG-3'
Protein context (NP_055238.1, residues 848-868): NKETSGSSKN[Ser858Asn]SSTSKQKKTE